The following is an entry in ClinVar:

ClinVar aggregate classification (germline): Pathogenic (1 of 4 stars; one submission).

Submission:

Labcorp Genetics (formerly Invitae), Labcorp
Classification: Pathogenic. Last evaluated: 2024-10-23. Review status: criteria provided, single submitter. Criteria: Invitae Variant Classification Sherloc (09022015). Collection method: clinical testing. Allele origin: germline.
Comment: This sequence change inserts a large fragment of DNA, likely a transposable element, in exon 8 of the COL2A1 gene (c.580_581ins?), causing a frameshift at codon 194 (p.Ala194fs). The exact size and sequence of the insertion cannot be determined by the current assay. However, the insertion is expected to result in an absent or disrupted protein product. This variant is not present in population databases (gnomAD no frequency). This variant has not been reported in the literature in individuals affected with COL2A1-related conditions. Retrotransposon insertions including LINE1 (L1), Alu, and SVA (SINE-VNTR-Alu) have been reported to be disease-causing through disruption of either a coding region or splice site (PMID: 19763152, 20307669, 22406018) and loss-of-function variants in COL2A1 are known to be pathogenic (PMID: 20179744). For these reasons, this variant has been classified as Pathogenic.

Literature cited by the submitters: PubMed 19763152; PubMed 20307669; PubMed 22406018; PubMed 20179744.

NM_001844.5(COL2A1):c.580_581insGGAGGTGGGGGGGGGGGTCGGCCCCCCTGCCCGGCCAGCCGCCCCGTCCGGGAGGTGAGGGGCGCCTCTGCTCGGNNNNNNNNNNAAAAAAAAAAAAAAAAAAAAGAAAAGGCTGGTGGCG (p.Ala194fs)

Gene: COL2A1 (collagen type II alpha 1 chain; minus strand). Cytogenetic location: 12q13.11.
Variant type: Insertion.
Coding change: c.580_581insGGAGGTGGGGGGGGGGGTCGGCCCCCCTGCCCGGCCAGCCGCCCCGTCCGGGAGGTGAGGGGCGCCTCTGCTCGGNNNNNNNNNNAAAAAAAAAAAAAAAAAAAAGAAAAGGCTGGTGGCG on transcript NM_001844.5 (MANE Select); coding-DNA positions 580 to 581, GGAGGTGGGGGGGGGGGTCGGCCCCCCTGCCCGGCCAGCCGCCCCGTCCGGGAGGTGAGGGGCGCCTCTGCTCGGNNNNNNNNNNAAAAAAAAAAAAAAAAAAAAGAAAAGGCTGGTGGCG inserted.
Protein change: p.Ala194fs; shifts the reading frame from alanine 194.
Molecular consequence: frameshift variant.
Genome position: GRCh38: chr12:47,996,592-47,996,593. GRCh37 (hg19): chr12:48,390,375-48,390,376.
Other names: c.373_374insGGAGGTGGGGGGGGGGGTCGGCCCCCCTGCCCGGCCAGCCGCCCCGTCCGGGAGGTGAGGGGCGCCTCTGCTCGGNNNNNNNNNNAAAAAAAAAAAAAAAAAAAAGAAAAGGCTGGTGGCG, p.Ala125fs (NM_033150.3); short protein forms A125fs, A194fs.
Identifiers: ClinVar variation 3640360 (VCV003640360.2).